The following is an entry in ClinVar:

ClinVar aggregate classification (germline): Likely pathogenic. Review status: criteria provided, single submitter (1 of 4 stars). 2 submissions from 2 submitters: Likely pathogenic (1). 1 of the submissions does not count toward it. Last evaluated 2018-10-16.

Conditions:
Epidermolysis bullosa, junctional 4, intermediate. Also called: Epidermolysis bullosa, junctional, localisata variant; EPIDERMOLYSIS BULLOSA, JUNCTIONAL 4, NON-HERLITZ TYPE; EPIDERMOLYSIS BULLOSA, GENERALIZED ATROPHIC BENIGN. Identifiers: MedGen C2608084, MONDO:0030750, OMIM 619787.
Junctional epidermolysis bullosa, non-Herlitz type. Also called: Adult junctional epidermolysis bullosa; Epidermolysis bullosa, junctional, non-herlitz type, somatic mosaic revertant; EPIDERMOLYSIS BULLOSA JUNCTIONALIS, DISENTIS TYPE; EPIDERMOLYSIS BULLOSA JUNCTIONALIS, NON-HERLITZ TYPE; EPIDERMOLYSIS BULLOSA JUNCTIONALIS, PROGRESSIVE; EPIDERMOLYSIS BULLOSA JUNCTIONALIS, SEVERE NONLETHAL. Identifiers: Orphanet 251393, Orphanet 79402, Orphanet 79405, Orphanet 89840, MedGen C0268374, MONDO:0009180, OMIM 226650.

Submissions (2):

Illumina Laboratory Services, Illumina
Classification: Likely pathogenic for Junctional epidermolysis bullosa, non-Herlitz type. Last evaluated: 2018-10-16. Review status: criteria provided, single submitter. Criteria: ICSL Variant Classification Criteria 09 May 2019. Collection method: clinical testing. Allele origin: germline.
Comment: The COL17A1 gene is one of four genes in which variants are known to cause junctional epidermolysis bullosa. The COL17A1 c.2336-2A>G variant occurs in a canonical splice site (acceptor) and is therefore predicted to disrupt or distort the normal gene product. The c.2336-2A>G variant has been reported in two studies in which it is found in a homozygous state in two individuals, one with generalized atrophic benign epidermolysis bullosa and one with junctional epidermolysis bullosa, and in a heterozygous state in six unaffected relatives (Chavanas et al. 1997; VÃ¤isÃ¤nen et al. 2005). The c.2336-2A>G variant was absent from 100 control chromosomes and is not found in the 1000 Genomes Project, the Exome Sequencing Project, the Exome Aggregation Consortium or the Genome Aggregation Database. Western blot analysis confirmed the absence of COL17A1 protein in keratinocytes from one of the probands homozygous for the variant (Chavanas et al. 1997). Expression analysis in COS-7 cells demonstrated structural variance in the NC15 domain while retaining thermal stability (VÃ¤isÃ¤nen et al. 2005). Expression in COS-7 cells also demonstrated the c.2336-2A>G variant did not affect N-glycosylation, localization at the plasma membrane, or migration of collagen XVII (Huilaja et al. 2009). The variant is in a highly conserved consensus splice acceptor site. Direct sequencing in cultured proband keratinocytes found the c.2336-2A>G causes an in-frame deletion that results in the skipping of exon 32 in the COL17A1 gene (Chavanas et al. 1997). Based on evidence, the c.2336-2A>G variant is classified as likely pathogenic for junctional epidermolysis bullosa. This variant was observed by ICSL as part of a predisposition screen in an ostensibly healthy population.

OMIM
Classification: Pathogenic for EPIDERMOLYSIS BULLOSA, JUNCTIONAL 4, INTERMEDIATE. Last evaluated: 1997-07-01. Review status: no assertion criteria provided. Collection method: literature only. Allele origin: germline. Not counted in ClinVar's aggregate classification.

Literature cited by the submitters: PubMed 16354180 (cited by Illumina Laboratory Services, Illumina); PubMed 19340010 (cited by Illumina Laboratory Services, Illumina); PubMed 9204958 (cited by Illumina Laboratory Services, Illumina and OMIM).

NM_000494.4(COL17A1):c.2336-2A>G

Gene: COL17A1 (collagen type XVII alpha 1 chain; minus strand). Cytogenetic location: 10q25.1.
Variant type: single nucleotide variant.
Coding change: c.2336-2A>G on transcript NM_000494.4 (MANE Select); the canonical splice acceptor site of the intron before coding-DNA position 2336, A replaced by G.
Molecular consequence: splice acceptor variant.
Genome position (GRCh38, 1-based): chr10:104,046,775, T>C on the plus strand (A>G on the coding strand, the complement: COL17A1 is on the minus strand). VCF-style: chr10-104046775-T-C. GRCh37 (hg19) VCF-style: chr10-105806533-T-C.
Other names: IVS31AS, A-G, -2.
Identifiers: ClinVar variation 631624 (VCV000631624.7), dbSNP rs1478395810, ClinGen allele CA378068961.
Genomic context (GRCh38, chr10:104,046,775, plus strand): 5'-AGACAGCAGGTGGGAATGATCCAGCGACTCACCCTGAGGTCCCTGGGGTCCTGTGAGACC[T>C]GCAGAAAATCAGACACAAGAGGGAAGAGTTGAAGGGTGGAGGCCATCCCTGGTAGCCACA-3'